The following is an entry in ClinVar:

NM_000535.7(PMS2):c.2394C>G (p.Cys798Trp)

Gene: PMS2 (PMS1 homolog 2, mismatch repair system component; minus strand). Cytogenetic location: 7p22.1.
Variant type: single nucleotide variant.
Coding change: c.2394C>G on transcript NM_000535.7 (MANE Select); coding-DNA position 2394, C replaced by G.
Protein change: p.Cys798Trp; replaces cysteine 798 with tryptophan.
Molecular consequence: missense variant. On other transcripts: non-coding transcript variant (1).
Genome position (GRCh38, 1-based): chr7:5,977,639, G>C on the plus strand (C>G on the coding strand, the complement: PMS2 is on the minus strand). VCF-style: chr7-5977639-G-C. GRCh37 (hg19) VCF-style: chr7-6017270-G-C.
Other names: c.1989C>G, p.Cys663Trp (NM_001018040.1, NM_001322003.2, NM_001322004.2 and 12 more transcripts); c.2238C>G, p.Cys746Trp (NM_001322006.2); c.2076C>G, p.Cys692Trp (NM_001322007.2, NM_001322008.2, NM_001406883.1); c.2022C>G, p.Cys674Trp (NM_001322009.2, NM_001406887.1, NM_001406888.1); c.1833C>G, p.Cys611Trp (NM_001322010.2, NM_001406906.1, NM_001406907.1); c.1461C>G, p.Cys487Trp (NM_001322011.2, NM_001322012.2); c.1821C>G, p.Cys607Trp (NM_001322013.2, NM_001406908.1, NM_001406909.1); c.2427C>G, p.Cys809Trp (NM_001322014.2); and 20 more; short protein forms C487W, C627W, C686W, C703W, C732W, C809W, C559W, C607W.
Identifiers: ClinVar variation 2089579 (VCV002089579.5), dbSNP rs1583280086, ClinGen allele CA366735702.

ClinVar aggregate classification (germline): Uncertain significance. Review status: criteria provided, multiple submitters, no conflicts (2 of 4 stars). 2 submissions from 2 submitters: Uncertain significance (2). Last evaluated 2025-01-30.

Conditions:
Hereditary nonpolyposis colorectal neoplasms. Identifiers: MedGen C0009405, MeSH D003123.
Hereditary cancer-predisposing syndrome. Also called: Tumor predisposition; Hereditary Cancer Syndrome; Hereditary neoplastic syndrome; Neoplastic Syndromes, Hereditary. Identifiers: Orphanet 140162, MedGen C0027672, MeSH D009386, MONDO:0015356.

Submissions (2):

Ambry Genetics
Classification: Uncertain significance for Hereditary cancer-predisposing syndrome. Last evaluated: 2025-01-30. Review status: criteria provided, single submitter. Criteria: Ambry Variant Classification Scheme 2023. Collection method: clinical testing. Allele origin: germline.
Comment: The p.C798W variant (also known as c.2394C>G), located in coding exon 14 of the PMS2 gene, results from a C to G substitution at nucleotide position 2394. The cysteine at codon 798 is replaced by tryptophan, an amino acid with highly dissimilar properties. This amino acid position is conserved. In addition, this alteration is predicted to be deleterious by in silico analysis. Based on the available evidence, the clinical significance of this variant remains unclear.

Labcorp Genetics (formerly Invitae), Labcorp
Classification: Uncertain significance for Hereditary nonpolyposis colorectal neoplasms. Last evaluated: 2022-09-24. Review status: criteria provided, single submitter. Criteria: Invitae Variant Classification Sherloc (09022015). Collection method: clinical testing. Allele origin: germline.
Comment: This sequence change replaces cysteine, which is neutral and slightly polar, with tryptophan, which is neutral and slightly polar, at codon 798 of the PMS2 protein (p.Cys798Trp). The frequency data for this variant in the population databases (gnomAD) is considered unreliable due to the presence of homologous sequence, such as pseudogenes or paralogs, in the genome. This variant has not been reported in the literature in individuals affected with PMS2-related conditions. Advanced modeling of protein sequence and biophysical properties (such as structural, functional, and spatial information, amino acid conservation, physicochemical variation, residue mobility, and thermodynamic stability) performed at Invitae indicates that this missense variant is expected to disrupt PMS2 protein function. In summary, the available evidence is currently insufficient to determine the role of this variant in disease. Therefore, it has been classified as a Variant of Uncertain Significance.